The following is an entry in ClinVar:

NM_001282531.3(ADNP):c.2194_2197del (p.Leu732fs)

Gene: ADNP (activity dependent neuroprotector homeobox; minus strand). Cytogenetic location: 20q13.13.
Variant type: Deletion.
Coding change: c.2194_2197del on transcript NM_001282531.3 (MANE Select); coding-DNA positions 2194 to 2197, 4 bases deleted (TTAG; older notation c.2194_2197delTTAG).
Protein change: p.Leu732fs; shifts the reading frame from leucine 732.
Molecular consequence: frameshift variant.
Genome position (GRCh38, 1-based): chr20:50,892,517-50,892,520, CTAA deleted on the plus strand (TTAG on the coding strand, the reverse complement: ADNP is on the minus strand); deleting any 4 consecutive bases within chr20:50,892,517-50,892,522 gives the same sequence; the c. name uses the placement nearest the transcript's 3' end. VCF-style (leftmost placement, unchanged base first): chr20-50892516-TCTAA-T. GRCh37 (hg19) VCF-style: chr20-49509053-TCTAA-T.
Other names: c.2194_2197del (NM_015339.2); c.2194_2197delTTAG (NM_015339.2); c.2194_2197del, p.Leu732fs (NM_001282532.2, NM_001347511.2, NM_015339.5 and 1 more transcripts); short protein forms L732fs.
Identifiers: ClinVar variation 452597 (VCV000452597.33), dbSNP rs1555809984, ClinGen allele CA658658874.

ClinVar aggregate classification (germline): Pathogenic. Review status: criteria provided, multiple submitters, no conflicts (2 of 4 stars). 4 submissions from 4 submitters: Pathogenic (3). 1 of the submissions does not count toward it. Last evaluated 2025-12-25.

Conditions:
ADNP-related multiple congenital anomalies - intellectual disability - autism spectrum disorder. Also called: ADNP-Related Helsmoortel-Van der Aa Syndrome; Helsmoortel-Van der Aa Syndrome. Identifiers: Orphanet 404448, MedGen C4014538, MONDO:0014379, OMIM 615873. Disease mechanism: loss of function.
Inborn genetic diseases. Identifiers: MedGen C0950123, MeSH D030342.

Submissions (4):

GeneDx
Classification: Pathogenic. Last evaluated: 2025-12-25. Review status: criteria provided, single submitter. Criteria: GeneDx Variant Classification Process June 2021. Collection method: clinical testing. Allele origin: germline. Affected: yes.
Comment: Frameshift variant predicted to result in abnormal protein length as the last 371 amino acid(s) are replaced with 19 different amino acid(s), and other similar variants have been reported in HGMD; Not observed at significant frequency in large population cohorts (gnomAD); This variant is associated with the following publications: (PMID: 33057194, 36066546, 36368308, 35982159, 33004838, 35599849, 36980980)

Ambry Genetics
Classification: Pathogenic for Inborn genetic diseases. Last evaluated: 2025-12-04. Review status: criteria provided, single submitter. Criteria: Ambry Variant Classification Scheme 2023. Collection method: clinical testing. Allele origin: germline.
Comment: The c.2194_2197delTTAG (p.L732Mfs*20) alteration, located in exon 5 (coding exon 3) of the ADNP gene, consists of a deletion of 4 nucleotides from position 2194 to 2197, causing a translational frameshift with a predicted alternate stop codon after 20 amino acids. This variant is not expected to trigger nonsense-mediated mRNA decay, and impacts the last 34% of the protein. However, premature stop codons are typically deleterious in nature, the impacted region is critical for protein function and a significant portion of the protein is affected (Ambry internal data). This variant was not reported in population-based cohorts in the Genome Aggregation Database (gnomAD). This variant was reported in individual(s) with features consistent with ADNP-related neurodevelopmental disorder; in at least one individual, it was determined to be de novo (Spataro, 2023). Based on the available evidence, this alteration is classified as pathogenic.

CeGaT Center for Human Genetics Tuebingen
Classification: Pathogenic. Last evaluated: 2022-10-01. Review status: criteria provided, single submitter. Criteria: CeGaT Center For Human Genetics Tuebingen Variant Classification Criteria Version 2. Collection method: clinical testing. Allele origin: germline. Affected: yes. Observed: 1 variant allele.
Comment: ADNP: PVS1:Strong, PM2, PS2:Moderate, PS4:Moderate

Molecular Genetics Laboratory, BC Children's and BC Women's Hospitals
Classification: Pathogenic for ADNP-related multiple congenital anomalies - intellectual disability - autism spectrum disorder. Last evaluated: 2018-09-21. Review status: no assertion criteria provided. Criteria: ACMG Guidelines, 2015. Collection method: clinical testing. Allele origin: de novo. Affected: yes. Not counted in ClinVar's aggregate classification.

Literature cited by the submitters: PubMed 36980980 (cited by Ambry Genetics).